The following is an entry in ClinVar:

ClinVar aggregate classification (germline): Uncertain significance. Review status: criteria provided, multiple submitters, no conflicts (2 of 4 stars). 5 submissions from 5 submitters: Uncertain significance (5). Last evaluated 2024-09-09.

Conditions:
Autosomal recessive limb-girdle muscular dystrophy type R18 (LGMDR18). Also called: MUSCULAR DYSTROPHY, LIMB-GIRDLE, AUTOSOMAL RECESSIVE 18; Autosomal recessive limb-girdle muscular dystrophy type 2S; Limb-girdle muscular dystrophy, type 2S. Identifiers: Orphanet 369840, MedGen C4517996, MONDO:0014144, OMIM 615356.

Allele frequency attached by ClinVar (database versions not stated): ExAC 0.00002; TOPMed 0.00004; gnomAD 0.00005 and 0.00004; gnomAD exomes 0.00002.
gnomAD v4.1: 88 of 1,583,534 alleles (0.0056%); highest among the groups gnomAD compares: Non-Finnish European, 0.0073%; no homozygotes.

Submissions (5):

GeneDx
Classification: Uncertain significance. Last evaluated: 2024-09-09. Review status: criteria provided, single submitter. Criteria: GeneDx Variant Classification Process June 2021. Collection method: clinical testing. Allele origin: germline. Affected: yes.
Comment: Not observed at significant frequency in large population cohorts (gnomAD); In silico analysis supports that this missense variant has a deleterious effect on protein structure/function; This variant is associated with the following publications: (PMID: 34648194)

Women's Health and Genetics/Laboratory Corporation of America, LabCorp
Classification: Uncertain significance. Last evaluated: 2024-07-10. Review status: criteria provided, single submitter. Criteria: LabCorp Variant Classification Summary - May 2015. Collection method: clinical testing. Allele origin: germline.
Comment: Variant summary: TRAPPC11 c.2234C>A (p.Thr745Lys) results in a non-conservative amino acid change in the encoded protein sequence. Four of five in-silico tools predict a damaging effect of the variant on protein function. The variant allele was found at a frequency of 1.7e-05 in 232326 control chromosomes. The available data on variant occurrences in the general population are insufficient to allow any conclusion about variant significance. c.2234C>A has been reported in the literature in individuals affected with Limb-Girdle Muscular Dystrophy, Autosomal Recessive (Munot_2020). These report(s) do not provide unequivocal conclusions about association of the variant with Limb-Girdle Muscular Dystrophy, Autosomal Recessive. To our knowledge, no experimental evidence demonstrating an impact on protein function has been reported. The following publication have been ascertained in the context of this evaluation (PMID: 34648194). ClinVar contains an entry for this variant (Variation ID: 580377). Based on the evidence outlined above, the variant was classified as uncertain significance.

Revvity Omics, Revvity
Classification: Uncertain significance for Autosomal recessive limb-girdle muscular dystrophy type R18. Last evaluated: 2024-05-20. Review status: criteria provided, single submitter. Criteria: ACMG Guidelines, 2015. Collection method: clinical testing. Allele origin: germline.

Labcorp Genetics (formerly Invitae), Labcorp
Classification: Uncertain significance for Autosomal recessive limb-girdle muscular dystrophy type R18. Last evaluated: 2021-08-31. Review status: criteria provided, single submitter. Criteria: Invitae Variant Classification Sherloc (09022015). Collection method: clinical testing. Allele origin: germline.
Comment: This sequence change replaces threonine with lysine at codon 745 of the TRAPPC11 protein (p.Thr745Lys). The threonine residue is highly conserved and there is a moderate physicochemical difference between threonine and lysine. This variant is present in population databases (rs768000138, ExAC 0.01%). This variant has not been reported in the literature in individuals affected with TRAPPC11-related conditions. Algorithms developed to predict the effect of missense changes on protein structure and function are either unavailable or do not agree on the potential impact of this missense change (SIFT: "Tolerated"; PolyPhen-2: "Probably Damaging"; Align-GVGD: "Class C0"). In summary, the available evidence is currently insufficient to determine the role of this variant in disease. Therefore, it has been classified as a Variant of Uncertain Significance.

Athena Diagnostics
Classification: Uncertain significance. Last evaluated: 2018-09-19. Review status: criteria provided, single submitter. Criteria: Athena Diagnostics Criteria. Collection method: clinical testing. Allele origin: germline.

Literature cited by the submitters: PubMed 34648194 (cited by Women's Health and Genetics/Laboratory Corporation of America, LabCorp).

NM_021942.6(TRAPPC11):c.2234C>A (p.Thr745Lys)

Gene: TRAPPC11 (trafficking protein particle complex subunit 11; plus strand). Cytogenetic location: 4q35.1.
Variant type: single nucleotide variant.
Coding change: c.2234C>A on transcript NM_021942.6 (MANE Select); coding-DNA position 2234, C replaced by A.
Protein change: p.Thr745Lys; replaces threonine 745 with lysine.
Molecular consequence: missense variant.
Genome position (GRCh38, 1-based): chr4:183,693,144, C>A. VCF-style: chr4-183693144-C-A. GRCh37 (hg19) VCF-style: chr4-184614297-C-A.
Other names: c.2234C>A, p.Thr745Lys (NM_199053.3); short protein forms T745K.
Identifiers: ClinVar variation 580377 (VCV000580377.10), dbSNP rs768000138, ClinGen allele CA3152132.